The following is an entry in ClinVar:

NM_006944.3(SPP2):c.61_69del (p.Gly21_Asn23del)

Gene: SPP2 (secreted phosphoprotein 2; plus strand). Cytogenetic location: 2q37.1.
Variant type: Deletion.
Coding change: c.61_69del on transcript NM_006944.3 (MANE Select); coding-DNA positions 61 to 69, 9 bases deleted (GGAATGAAC; older notation c.61_69delGGAATGAAC).
Protein change: p.Gly21_Asn23del.
Molecular consequence: inframe deletion.
Genome position (GRCh38, 1-based): chr2:234,050,847-234,050,855, GGAATGAAC deleted. VCF-style (leftmost placement, unchanged base first): chr2-234050846-TGGAATGAAC-T. GRCh37 (hg19) VCF-style: chr2-234959490-TGGAATGAAC-T.
Identifiers: ClinVar variation 2989218 (VCV002989218.3), dbSNP rs1317418099, ClinGen allele CA540334548.
Genomic context (GRCh38, chr2:234,050,846, plus strand): 5'-CATGATTTCCAGAATGGAGAAGATGACGATGATGATGAAGATATTGATTATGTTTGCTCT[TGGAATGAAC>T]TACTGGTCTTGCTCAGGTAAGGTATTCACCAACCTGGCCACCTGCTCTGGATCATGCAGA-3'

ClinVar aggregate classification (germline): Uncertain significance (1 of 4 stars; one submission).

Allele frequency attached by ClinVar (database versions not stated): gnomAD 0.00001; gnomAD exomes 0.00001; TOPMed 0.00001.

Submission:

Labcorp Genetics (formerly Invitae), Labcorp
Classification: Uncertain significance. Last evaluated: 2026-01-27. Review status: criteria provided, single submitter. Criteria: Invitae Variant Classification Sherloc (09022015). Collection method: clinical testing. Allele origin: germline.
Comment: This variant, c.61_69del, results in the deletion of 3 amino acid(s) of the SPP2 protein (p.Gly21_Asn23del), but otherwise preserves the integrity of the reading frame. This variant is present in population databases (no rsID available, gnomAD no frequency). This variant has not been reported in the literature in individuals affected with SPP2-related conditions. ClinVar contains an entry for this variant (Variation ID: 2989218). Experimental studies and prediction algorithms are not available or were not evaluated, and the functional significance of this variant is currently unknown. In summary, the available evidence is currently insufficient to determine the role of this variant in disease. Therefore, it has been classified as a Variant of Uncertain Significance.